The following is an entry in ClinVar:

NM_181426.2(CCDC39):c.1874+2T>C

Gene: CCDC39 (coiled-coil domain 39 molecular ruler complex subunit; minus strand). Cytogenetic location: 3q26.33.
Variant type: single nucleotide variant.
Coding change: c.1874+2T>C on transcript NM_181426.2 (MANE Select); the canonical splice donor site of the intron after coding-DNA position 1874, T replaced by C.
Molecular consequence: splice donor variant.
Genome position (GRCh38, 1-based): chr3:180,641,991, A>G on the plus strand (T>C on the coding strand, the complement: CCDC39 is on the minus strand). VCF-style: chr3-180641991-A-G. GRCh37 (hg19) VCF-style: chr3-180359779-A-G.
Identifiers: ClinVar variation 1781739 (VCV001781739.2), dbSNP rs1717963637, ClinGen allele CA355308800.

ClinVar aggregate classification (germline): Likely pathogenic (1 of 4 stars; one submission).

Conditions:
Primary ciliary dyskinesia. Also called: Ciliary dyskinesia. Identifiers: Orphanet 244, MedGen C0008780, MONDO:0016575, HP:0012265.

Allele frequency attached by ClinVar (database versions not stated): gnomAD exomes below 0.00001; TOPMed below 0.00001.
gnomAD v4.1: 2 of 1,572,828 alleles (0.00013%); highest among the groups gnomAD compares: East Asian, 0.0023%; no homozygotes.

Submission:

Ambry Genetics
Classification: Likely pathogenic for Primary ciliary dyskinesia. Last evaluated: 2017-03-14. Review status: criteria provided, single submitter. Criteria: Ambry Variant Classification Scheme 2023. Collection method: clinical testing. Allele origin: germline.
Comment: The c.1874+2T>C intronic variant results from a T to C substitution two nucleotides after coding exon 13 in the CCDC39 gene. This nucleotide position is highly conserved in available vertebrate species. Using two different splice site prediction tools, this alteration is predicted by BDGP to abolish the native splice donor site, but is predicted to significantly weaken the efficiency of the native splice donor site by ESEfinder; however, direct evidence is unavailable. Alterations that disrupt the canonical splice site are expected to cause aberrant splicing, resulting in an abnormal protein or a transcript that is subject to nonsense-mediated mRNA decay. As such, this alteration is classified as likely pathogenic.